The following is an entry in ClinVar:

ClinVar aggregate classification (germline): Uncertain significance (1 of 4 stars; one submission).

Conditions:
Charcot-Marie-Tooth disease axonal type 2Z. Also called: CHARCOT-MARIE-TOOTH DISEASE, AXONAL, AUTOSOMAL DOMINANT, TYPE 2Z; CHARCOT-MARIE-TOOTH NEUROPATHY, TYPE 2Z. Identifiers: Orphanet 466768, MedGen C5569025, MONDO:0014736, OMIM 616688.

Allele frequency attached by ClinVar (database versions not stated): gnomAD exomes 0.00001; ExAC 0.00002; gnomAD 0.00002 and 0.00003; 1000 Genomes Project 0.00020; 1000 Genomes Project 30x 0.00031.
gnomAD v4.1: 21 of 1,612,430 alleles (0.0013%); highest among the groups gnomAD compares: East Asian, 0.0067%; no homozygotes.

Submission:

Labcorp Genetics (formerly Invitae), Labcorp
Classification: Uncertain significance for Charcot-Marie-Tooth disease axonal type 2Z. Last evaluated: 2024-03-21. Review status: criteria provided, single submitter. Criteria: Invitae Variant Classification Sherloc (09022015). Collection method: clinical testing. Allele origin: germline.
Comment: This sequence change falls in intron 3 of the MORC2 gene. It does not directly change the encoded amino acid sequence of the MORC2 protein. This variant is present in population databases (rs543329880, gnomAD 0.005%). This variant has not been reported in the literature in individuals affected with MORC2-related conditions. ClinVar contains an entry for this variant (Variation ID: 1375801). Algorithms developed to predict the effect of sequence changes on RNA splicing suggest that this variant may disrupt the consensus splice site. In summary, the available evidence is currently insufficient to determine the role of this variant in disease. Therefore, it has been classified as a Variant of Uncertain Significance.

NM_001303256.3(MORC2):c.158-10T>G

Gene: MORC2 (MORC family CW-type zinc finger 2; minus strand). Cytogenetic location: 22q12.2.
Variant type: single nucleotide variant.
Coding change: c.158-10T>G on transcript NM_001303256.3 (MANE Select); 10 bases into the intron before coding-DNA position 158, T replaced by G.
Molecular consequence: intron variant.
Genome position (GRCh38, 1-based): chr22:30,950,455, A>C on the plus strand (T>G on the coding strand, the complement: MORC2 is on the minus strand). VCF-style: chr22-30950455-A-C. GRCh37 (hg19) VCF-style: chr22-31346441-A-C.
Other names: c.158-10T>G (NM_001303257.2); c.-29-10T>G (NM_014941.3).
Identifiers: ClinVar variation 1375801 (VCV001375801.6), dbSNP rs543329880, ClinGen allele CA10187361.